The following is an entry in ClinVar:

ClinVar aggregate classification (germline): Uncertain significance (1 of 4 stars; one submission).

gnomAD v4.1: 2 of 1,500,922 alleles (0.00013%); highest among the groups gnomAD compares: Non-Finnish European, 0.00018%; no homozygotes.

Submission:

Ambry Genetics
Classification: Uncertain significance. Last evaluated: 2025-06-21. Review status: criteria provided, single submitter. Criteria: Ambry Variant Classification Scheme 2023. Collection method: clinical testing. Allele origin: germline.
Comment: The p.L195W variant (also known as c.584T>G), located in coding exon 6 of the RAD51B gene, results from a T to G substitution at nucleotide position 584. The leucine at codon 195 is replaced by tryptophan, an amino acid with similar properties. This amino acid position is conserved. In addition, this alteration is predicted to be deleterious by in silico analysis. Based on the available evidence, the clinical significance of this variant remains unclear.

NM_133510.4(RAD51B):c.584T>G (p.Leu195Trp)

Gene: RAD51B (RAD51 paralog B; plus strand). Cytogenetic location: 14q24.1.
Variant type: single nucleotide variant.
Coding change: c.584T>G on transcript NM_133510.4 (MANE Select); coding-DNA position 584, T replaced by G.
Protein change: p.Leu195Trp; replaces leucine 195 with tryptophan.
Molecular consequence: missense variant.
Genome position (GRCh38, 1-based): chr14:67,887,032, T>G. VCF-style: chr14-67887032-T-G. GRCh37 (hg19) VCF-style: chr14-68353749-T-G.
Other names: c.584T>G, p.Leu195Trp (NM_001321809.2, NM_001321810.2, NM_001321812.1 and 6 more transcripts); c.470T>G, p.Leu157Trp (NM_001321815.1); c.227T>G, p.Leu76Trp (NM_001321817.2); short protein forms L157W, L195W, L76W.
Identifiers: ClinVar variation 4149809 (VCV004149809.1).
Genomic context (GRCh38, chr14:67,887,032, plus strand): 5'-TTATTTTATCTTAAATTTATTGACTATTTTATAAATTCTTCTTTTATAGGATTGAATCTT[T>G]GGAAGAAGAAATTATCTCAAAAGGAATTAAACTTGTGATTCTTGACTCTGTTGCTTCTGT-3'
Protein context (NP_598194.1, residues 185-205): CDEVLQRIES[Leu195Trp]EEEIISKGIK